The following is an entry in ClinVar:

ClinVar aggregate classification (germline): Likely benign. Review status: criteria provided, multiple submitters, no conflicts (2 of 4 stars). 2 submissions from 2 submitters: Likely benign (2). Last evaluated 2024-01-24.

Allele frequency attached by ClinVar (database versions not stated): TOPMed 0.00002; gnomAD exomes 0.00003 and 0.00004; ExAC 0.00007.
gnomAD v4.1: 48 of 1,613,104 alleles (0.003%); highest among the groups gnomAD compares: South Asian, 0.0077%; no homozygotes.

Submissions (2):

Labcorp Genetics (formerly Invitae), Labcorp
Classification: Likely benign. Last evaluated: 2024-01-24. Review status: criteria provided, single submitter. Criteria: Invitae Variant Classification Sherloc (09022015). Collection method: clinical testing. Allele origin: germline.

CeGaT Center for Human Genetics Tuebingen
Classification: Likely benign. Last evaluated: 2022-11-01. Review status: criteria provided, single submitter. Criteria: CeGaT Center For Human Genetics Tuebingen Variant Classification Criteria Version 2. Collection method: clinical testing. Allele origin: germline. Affected: yes. Observed: 1 variant allele.
Comment: CLCNKB: BP4, BP7

NM_000085.5(CLCNKB):c.1551C>G (p.Pro517=)

Genes: CLCNKB (chloride voltage-gated channel Kb; plus strand), LOC106501713 (CLCNKB recombination region; plus strand). Cytogenetic location: 1p36.13.
Variant type: single nucleotide variant.
Coding change: c.1551C>G on transcript NM_000085.5 (MANE Select); coding-DNA position 1551, C replaced by G.
Protein change: p.Pro517=; no amino-acid change (proline 517 retained).
Molecular consequence: synonymous variant.
Genome position (GRCh38, 1-based): chr1:16,052,340, C>G. VCF-style: chr1-16052340-C-G. GRCh37 (hg19) VCF-style: chr1-16378835-C-G.
Other names: c.1044C>G, p.Pro348= (NM_001165945.2).
Identifiers: ClinVar variation 1557791 (VCV001557791.31), dbSNP rs750352082, ClinGen allele CA623918.